The following is an entry in ClinVar:

ClinVar aggregate classification (germline): Uncertain significance (1 of 4 stars; one submission).

gnomAD v4.1: 1 of 1,613,344 alleles (0.000062%); highest among the groups gnomAD compares: Non-Finnish European, 0.000085%; no homozygotes.

Submission:

Labcorp Genetics (formerly Invitae), Labcorp
Classification: Uncertain significance. Last evaluated: 2025-12-23. Review status: criteria provided, single submitter. Criteria: Invitae Variant Classification Sherloc (09022015). Collection method: clinical testing. Allele origin: germline.
Comment: This sequence change replaces alanine, which is neutral and non-polar, with threonine, which is neutral and polar, at codon 233 of the CFB protein (p.Ala233Thr). This variant is not present in population databases (gnomAD no frequency). This variant has not been reported in the literature in individuals affected with CFB-related conditions. Invitae Evidence Modeling of protein sequence and biophysical properties (such as structural, functional, and spatial information, amino acid conservation, physicochemical variation, residue mobility, and thermodynamic stability) indicates that this missense variant is not expected to disrupt CFB protein function with a negative predictive value of 80%. In summary, the available evidence is currently insufficient to determine the role of this variant in disease. Therefore, it has been classified as a Variant of Uncertain Significance.

NM_001710.6(CFB):c.697G>A (p.Ala233Thr)

Gene: CFB (complement factor B; plus strand). Cytogenetic location: 6p21.33.
Variant type: single nucleotide variant.
Coding change: c.697G>A on transcript NM_001710.6 (MANE Select); coding-DNA position 697, G replaced by A.
Protein change: p.Ala233Thr; replaces alanine 233 with threonine.
Molecular consequence: missense variant.
Genome position (GRCh38, 1-based): chr6:31,947,780, G>A. VCF-style: chr6-31947780-G-A. GRCh37 (hg19) VCF-style: chr6-31915557-G-A.
Other names: short protein forms A233T.
Identifiers: ClinVar variation 4763484 (VCV004763484.1).